The following is an entry in ClinVar:

NM_144643.4(SCLT1):c.1270G>A (p.Ala424Thr)

Gene: SCLT1 (sodium channel and clathrin linker 1; minus strand). Cytogenetic location: 4q28.2.
Variant type: single nucleotide variant.
Coding change: c.1270G>A on transcript NM_144643.4 (MANE Select); coding-DNA position 1270, G replaced by A.
Protein change: p.Ala424Thr; replaces alanine 424 with threonine.
Molecular consequence: missense variant.
Genome position (GRCh38, 1-based): chr4:128,948,519, C>T on the plus strand (G>A on the coding strand, the complement: SCLT1 is on the minus strand). VCF-style: chr4-128948519-C-T. GRCh37 (hg19) VCF-style: chr4-129869674-C-T.
Other names: c.1270G>A (NM_144643.2); short protein forms A424T.
Identifiers: ClinVar variation 1366526 (VCV001366526.9), dbSNP rs1553967420, ClinGen allele CA358187237.
Genomic context (GRCh38, chr4:128,948,519, plus strand): 5'-TGGGTTTTAGGTAGTTATATTTCCTTTTTCTTTTTACCTTTTCTAGTTCTTCTTCCACTG[C>T]TTTTTTTTCCTTAATGACTCGTTCAATTTGGCCTTGTTTTTCAGCACACTCCTATAAATT-3'
Protein context (NP_653244.2, residues 414-434): QIERVIKEKK[Ala424Thr]VEEELEKIYR

ClinVar aggregate classification (germline): Uncertain significance. Review status: criteria provided, multiple submitters, no conflicts (2 of 4 stars). 2 submissions from 2 submitters: Uncertain significance (2). Last evaluated 2024-04-24.

Allele frequency attached by ClinVar (database versions not stated): gnomAD exomes below 0.00001; TOPMed below 0.00001; gnomAD 0.00001.
gnomAD v4.1: 7 of 1,605,804 alleles (0.00044%); highest among the groups gnomAD compares: South Asian, 0.0044%; no homozygotes.

Submissions (2):

Ambry Genetics
Classification: Uncertain significance. Last evaluated: 2024-04-24. Review status: criteria provided, single submitter. Criteria: Ambry Variant Classification Scheme 2023. Collection method: clinical testing. Allele origin: germline.

Labcorp Genetics (formerly Invitae), Labcorp
Classification: Uncertain significance. Last evaluated: 2023-11-13. Review status: criteria provided, single submitter. Criteria: Invitae Variant Classification Sherloc (09022015). Collection method: clinical testing. Allele origin: germline.
Comment: This sequence change replaces alanine, which is neutral and non-polar, with threonine, which is neutral and polar, at codon 424 of the SCLT1 protein (p.Ala424Thr). This variant is present in population databases (no rsID available, gnomAD 0.003%). This variant has not been reported in the literature in individuals affected with SCLT1-related conditions. ClinVar contains an entry for this variant (Variation ID: 1366526). Algorithms developed to predict the effect of missense changes on protein structure and function output the following: SIFT: "Not Available"; PolyPhen-2: "Benign"; Align-GVGD: "Not Available". The threonine amino acid residue is found in multiple mammalian species, which suggests that this missense change does not adversely affect protein function. In summary, the available evidence is currently insufficient to determine the role of this variant in disease. Therefore, it has been classified as a Variant of Uncertain Significance.